The following is an entry in ClinVar:

ClinVar aggregate classification (germline): Uncertain significance (1 of 4 stars; one submission).

Conditions:
Hereditary cancer-predisposing syndrome. Also called: Hereditary Cancer Syndrome; Neoplastic Syndromes, Hereditary; Tumor predisposition; Hereditary neoplastic syndrome. Identifiers: Orphanet 140162, MedGen C0027672, MeSH D009386, MONDO:0015356.

Submission:

Ambry Genetics
Classification: Uncertain significance for Hereditary cancer-predisposing syndrome. Last evaluated: 2019-12-09. Review status: criteria provided, single submitter. Criteria: Ambry Variant Classification Scheme 2023. Collection method: clinical testing. Allele origin: germline.
Comment: The p.R17S variant (also known as c.49C>A), located in coding exon 1 of the FLCN gene, results from a C to A substitution at nucleotide position 49. The arginine at codon 17 is replaced by serine, an amino acid with dissimilar properties. This amino acid position is highly conserved in available vertebrate species. In addition, this alteration is predicted to be deleterious by in silico analysis. Since supporting evidence is limited at this time, the clinical significance of this alteration remains unclear.

NM_144997.7(FLCN):c.49C>A (p.Arg17Ser)

Gene: FLCN (folliculin; minus strand). Cytogenetic location: 17p11.2.
Variant type: single nucleotide variant.
Coding change: c.49C>A on transcript NM_144997.7 (MANE Select); coding-DNA position 49, C replaced by A.
Protein change: p.Arg17Ser; replaces arginine 17 with serine.
Molecular consequence: missense variant.
Genome position (GRCh38, 1-based): chr17:17,228,089, G>T on the plus strand (C>A on the coding strand, the complement: FLCN is on the minus strand). VCF-style: chr17-17228089-G-T. GRCh37 (hg19) VCF-style: chr17-17131403-G-T.
Other names: c.49C>A, p.Arg17Ser (NM_001353229.2, NM_001353230.2, NM_001353231.2 and 1 more transcripts); short protein forms R17S.
Identifiers: ClinVar variation 1744659 (VCV001744659.2), dbSNP rs765251703, ClinGen allele CA398535432.